The following is an entry in ClinVar:

ClinVar aggregate classification (germline): Uncertain significance (1 of 4 stars; one submission).

Conditions:
Developmental and epileptic encephalopathy, 11 (DEE11). Also called: Early infantile epileptic encephalopathy 11. Identifiers: Orphanet 1934, MedGen C3150987, MONDO:0013388, OMIM 613721.
Seizures, benign familial infantile, 3 (BFIS3). Also called: CONVULSIONS, BENIGN FAMILIAL INFANTILE, 3; Familial neonatal seizures. Identifiers: Orphanet 140927, Orphanet 306, MedGen C1843140, MONDO:0011904, OMIM 607745.

Submission:

Labcorp Genetics (formerly Invitae), Labcorp
Classification: Uncertain significance for Seizures, benign familial infantile, 3; Developmental and epileptic encephalopathy, 11. Last evaluated: 2025-04-20. Review status: criteria provided, single submitter. Criteria: Invitae Variant Classification Sherloc (09022015). Collection method: clinical testing. Allele origin: germline.
Comment: This sequence change replaces aspartic acid, which is acidic and polar, with valine, which is neutral and non-polar, at codon 55 of the SCN2A protein (p.Asp55Val). This variant is not present in population databases (gnomAD no frequency). This variant has not been reported in the literature in individuals affected with SCN2A-related conditions. Invitae Evidence Modeling of protein sequence and biophysical properties (such as structural, functional, and spatial information, amino acid conservation, physicochemical variation, residue mobility, and thermodynamic stability) indicates that this missense variant is expected to disrupt SCN2A protein function with a positive predictive value of 95%. In summary, the available evidence is currently insufficient to determine the role of this variant in disease. Therefore, it has been classified as a Variant of Uncertain Significance.

NM_001040142.2(SCN2A):c.164A>T (p.Asp55Val)

Gene: SCN2A (sodium voltage-gated channel alpha subunit 2; plus strand). Cytogenetic location: 2q24.3.
Variant type: single nucleotide variant.
Coding change: c.164A>T on transcript NM_001040142.2 (MANE Select); coding-DNA position 164, A replaced by T.
Protein change: p.Asp55Val; replaces aspartic acid 55 with valine.
Molecular consequence: missense variant.
Genome position (GRCh38, 1-based): chr2:165,295,987, A>T. VCF-style: chr2-165295987-A-T. GRCh37 (hg19) VCF-style: chr2-166152497-A-T.
Other names: c.164A>T, p.Asp55Val (NM_001040143.2, NM_001371246.1, NM_001371247.1 and 1 more transcripts); short protein forms D55V.
Identifiers: ClinVar variation 4783607 (VCV004783607.1).